The following is an entry in ClinVar:

NM_004006.3(DMD):c.1814T>A (p.Val605Asp)

Gene: DMD (dystrophin; minus strand). Cytogenetic location: Xp21.1.
Variant type: single nucleotide variant.
Coding change: c.1814T>A on transcript NM_004006.3 (MANE Select); coding-DNA position 1814, T replaced by A.
Protein change: p.Val605Asp; replaces valine 605 with aspartic acid.
Molecular consequence: missense variant.
Genome position (GRCh38, 1-based): chrX:32,565,880, A>T on the plus strand (T>A on the coding strand, the complement: DMD is on the minus strand). VCF-style: chrX-32565880-A-T. GRCh37 (hg19) VCF-style: chrX-32583997-A-T.
Other names: c.1790T>A, p.Val597Asp (NM_000109.4); c.1802T>A, p.Val601Asp (NM_004009.3); c.1445T>A, p.Val482Asp (NM_004010.3); short protein forms V482D, V597D, V601D, V605D.
Identifiers: ClinVar variation 2997522 (VCV002997522.3), dbSNP rs752720397, ClinGen allele CA10379708.

ClinVar aggregate classification (germline): Uncertain significance (1 of 4 stars; one submission).

Conditions:
Duchenne muscular dystrophy (DMD). Also called: MUSCULAR DYSTROPHY, PSEUDOHYPERTROPHIC PROGRESSIVE, DUCHENNE TYPE; Duchenne Muscular Dystrophy (DMD). Identifiers: Orphanet 98896, MedGen C0013264, MONDO:0010679, OMIM 310200.

Allele frequency attached by ClinVar (database versions not stated): gnomAD exomes below 0.00001; ExAC 0.00001.
gnomAD v4.1: 5 of 1,206,540 alleles (0.00041%); highest among the groups gnomAD compares: Non-Finnish European, 0.00056%; no homozygotes.

Submission:

Labcorp Genetics (formerly Invitae), Labcorp
Classification: Uncertain significance for Duchenne muscular dystrophy. Last evaluated: 2025-10-01. Review status: criteria provided, single submitter. Criteria: Invitae Variant Classification Sherloc (09022015). Collection method: clinical testing. Allele origin: germline.
Comment: This sequence change replaces valine, which is neutral and non-polar, with aspartic acid, which is acidic and polar, at codon 605 of the DMD protein (p.Val605Asp). This variant is present in population databases (rs752720397, gnomAD 0.003%). This variant has not been reported in the literature in individuals affected with DMD-related conditions. ClinVar contains an entry for this variant (Variation ID: 2997522). An algorithm developed to predict the effect of missense changes on protein structure and function (PolyPhen-2) suggests that this variant is likely to be tolerated. In summary, the available evidence is currently insufficient to determine the role of this variant in disease. Therefore, it has been classified as a Variant of Uncertain Significance.